The following is an entry in ClinVar:

NM_014334.4(FRRS1L):c.771C>G (p.Tyr257Ter)

Gene: FRRS1L (ferric chelate reductase 1 like; minus strand). Cytogenetic location: 9q31.3.
Variant type: single nucleotide variant.
Coding change: c.771C>G on transcript NM_014334.4 (MANE Select); coding-DNA position 771, C replaced by G.
Protein change: p.Tyr257Ter; replaces tyrosine 257 with a stop codon.
Molecular consequence: nonsense.
Genome position (GRCh38, 1-based): chr9:109,137,566, G>C on the plus strand (C>G on the coding strand, the complement: FRRS1L is on the minus strand). VCF-style: chr9-109137566-G-C. GRCh37 (hg19) VCF-style: chr9-111899846-G-C.
Other names: short protein forms Y257*.
Identifiers: ClinVar variation 3361684 (VCV003361684.1).

ClinVar aggregate classification (germline): Uncertain significance (1 of 4 stars; one submission).

Submission:

GeneDx
Classification: Uncertain significance. Last evaluated: 2023-08-04. Review status: criteria provided, single submitter. Criteria: GeneDx Variant Classification Process June 2021. Collection method: clinical testing. Allele origin: germline. Affected: yes.
Comment: Not observed at significant frequency in large population cohorts (gnomAD); Nonsense variant predicted to result in protein truncation as the last 37 amino acids are lost, although loss-of-function variants have not been reported downstream of this position in the protein; Has not been previously published as pathogenic or benign to our knowledge